The following is an entry in ClinVar:

ClinVar aggregate classification (germline): Uncertain significance. Review status: criteria provided, multiple submitters, no conflicts (2 of 4 stars). 2 submissions from 2 submitters: Uncertain significance (2). Last evaluated 2026-07-21.

Allele frequency attached by ClinVar (database versions not stated): gnomAD exomes 0.00001.
gnomAD v4.1: 6 of 1,614,010 alleles (0.00037%); highest among the groups gnomAD compares: Non-Finnish European, 0.00051%; no homozygotes.

Submissions (2):

GeneDx
Classification: Uncertain significance. Last evaluated: 2026-07-21. Review status: criteria provided, single submitter. Criteria: GeneDx Variant Classification Process June 2021. Collection method: clinical testing. Allele origin: germline.
Comment: Not observed at significant frequency in large population cohorts (gnomAD); In silico analysis suggests that this missense variant does not alter protein structure/function; Has not been previously published as pathogenic or benign to our knowledge

Revvity Omics, Revvity
Classification: Uncertain significance. Last evaluated: 2022-05-17. Review status: criteria provided, single submitter. Criteria: ACMG Guidelines, 2015. Collection method: clinical testing. Allele origin: germline.

NM_000334.4(SCN4A):c.3253G>A (p.Val1085Met)

Genes: GH-LCR (growth hormone locus control region; plus strand), SCN4A (sodium voltage-gated channel alpha subunit 4; minus strand). Cytogenetic location: 17q23.3.
Variant type: single nucleotide variant.
Coding change: c.3253G>A on transcript NM_000334.4 (MANE Select); coding-DNA position 3253, G replaced by A.
Protein change: p.Val1085Met; replaces valine 1085 with methionine.
Molecular consequence: missense variant.
Genome position (GRCh38, 1-based): chr17:63,947,955, C>T on the plus strand (G>A on the coding strand, the complement: SCN4A is on the minus strand). VCF-style: chr17-63947955-C-T. GRCh37 (hg19) VCF-style: chr17-62025315-C-T.
Other names: short protein forms V1085M.
Identifiers: ClinVar variation 2435735 (VCV002435735.5), dbSNP rs2509294587, ClinGen allele CA400621071.